The following is an entry in ClinVar:

NM_000535.7(PMS2):c.-19C>T

Gene: PMS2 (PMS1 homolog 2, mismatch repair system component; minus strand). Cytogenetic location: 7p22.1.
Variant type: single nucleotide variant.
Coding change: c.-19C>T on transcript NM_000535.7 (MANE Select); 19 bases upstream of the start codon, C replaced by T.
Molecular consequence: 5 prime UTR variant. On other transcripts: non-coding transcript variant (1).
Genome position (GRCh38, 1-based): chr7:6,009,038, G>A on the plus strand (C>T on the coding strand, the complement: PMS2 is on the minus strand). VCF-style: chr7-6009038-G-A. GRCh37 (hg19) VCF-style: chr7-6048669-G-A.
Other names: c.-419C>T (NM_001322003.2, NM_001322013.2); c.-284C>T (NM_001322004.2, NM_001322010.2); c.-614C>T (NM_001322005.2); c.-19C>T (NM_001322006.2, NM_001322014.2); c.-234C>T (NM_001322007.2); c.-94C>T (NM_001322008.2); c.-609C>T (NM_001322009.2); c.-903C>T (NM_001322011.2); and 2 more.
Identifiers: ClinVar variation 390807 (VCV000390807.3), dbSNP rs769408250, ClinGen allele CA046121.

ClinVar aggregate classification (germline): Likely benign. Review status: criteria provided, multiple submitters, no conflicts (2 of 4 stars). 2 submissions from 2 submitters: Likely benign (2). Last evaluated 2018-10-04.

Conditions:
Hereditary cancer-predisposing syndrome. Also called: Hereditary Cancer Syndrome; Hereditary neoplastic syndrome; Neoplastic Syndromes, Hereditary; Tumor predisposition. Identifiers: Orphanet 140162, MedGen C0027672, MeSH D009386, MONDO:0015356.

Allele frequency attached by ClinVar (database versions not stated): gnomAD 0.00001; TOPMed 0.00001; gnomAD exomes 0.00002; ExAC 0.00003.

Submissions (2):

Color Diagnostics, LLC DBA Color Health
Classification: Likely benign for Hereditary cancer-predisposing syndrome. Last evaluated: 2018-10-04. Review status: criteria provided, single submitter. Criteria: ACMG Guidelines, 2015. Collection method: clinical testing. Allele origin: germline.

GeneDx
Classification: Likely benign. Last evaluated: 2016-11-04. Review status: criteria provided, single submitter. Criteria: GeneDx Variant Classification (06012015). Collection method: clinical testing. Allele origin: germline. Affected: yes.
Comment: This variant is considered likely benign or benign based on one or more of the following criteria: it is a conservative change, it occurs at a poorly conserved position in the protein, it is predicted to be benign by multiple in silico algorithms, and/or has population frequency not consistent with disease.